The following is an entry in ClinVar:

ClinVar aggregate classification (germline): Uncertain significance (1 of 4 stars; one submission).

Allele frequency attached by ClinVar (database versions not stated): gnomAD exomes below 0.00001; TOPMed below 0.00001.
gnomAD v4.1: 1 of 1,613,420 alleles (0.000062%); highest among the groups gnomAD compares: Admixed American, 0.0017%; no homozygotes.

Submission:

Labcorp Genetics (formerly Invitae), Labcorp
Classification: Uncertain significance. Last evaluated: 2022-10-05. Review status: criteria provided, single submitter. Criteria: Invitae Variant Classification Sherloc (09022015). Collection method: clinical testing. Allele origin: germline.
Comment: This sequence change replaces threonine, which is neutral and polar, with alanine, which is neutral and non-polar, at codon 701 of the GRM6 protein (p.Thr701Ala). In summary, the available evidence is currently insufficient to determine the role of this variant in disease. Therefore, it has been classified as a Variant of Uncertain Significance. Advanced modeling of protein sequence and biophysical properties (such as structural, functional, and spatial information, amino acid conservation, physicochemical variation, residue mobility, and thermodynamic stability) performed at Invitae indicates that this missense variant is not expected to disrupt GRM6 protein function. ClinVar contains an entry for this variant (Variation ID: 1462523). This variant has not been reported in the literature in individuals affected with GRM6-related conditions. This variant is present in population databases (no rsID available, gnomAD 0.003%).

NM_000843.4(GRM6):c.2101A>G (p.Thr701Ala)

Genes: GRM6 (glutamate metabotropic receptor 6; minus strand), ZNF454 (zinc finger protein 454; plus strand). Cytogenetic location: 5q35.3.
Variant type: single nucleotide variant.
Coding change: c.2101A>G on transcript NM_000843.4 (MANE Select); coding-DNA position 2101, A replaced by G.
Protein change: p.Thr701Ala; replaces threonine 701 with alanine.
Molecular consequence: missense variant.
Genome position (GRCh38, 1-based): chr5:178,986,153, T>C on the plus strand (A>G on the coding strand, the complement: GRM6 is on the minus strand). VCF-style: chr5-178986153-T-C. GRCh37 (hg19) VCF-style: chr5-178413154-T-C.
Other names: short protein forms T701A.
Identifiers: ClinVar variation 1462523 (VCV001462523.6), dbSNP rs1351865055, ClinGen allele CA362425430.